The following is an entry in ClinVar:

NM_003803.4(MYOM1):c.609_626del (p.194KQSTAS[2])

Gene: MYOM1 (myomesin 1; minus strand). Cytogenetic location: 18p11.31.
Variant type: Deletion.
Coding change: c.609_626del on transcript NM_003803.4 (MANE Select); coding-DNA positions 609 to 626, 18 bases deleted (AGCATCCAAGCAGTCCAC).
Protein change: p.194KQSTAS[2].
Molecular consequence: inframe deletion.
Genome position (GRCh38, 1-based): chr18:3,188,893-3,188,910, GTGGACTGCTTGGATGCT deleted on the plus strand (AGCATCCAAGCAGTCCAC on the coding strand, the reverse complement: MYOM1 is on the minus strand); deleting any 18 consecutive bases within chr18:3,188,893-3,188,927 gives the same sequence; the c. name uses the placement nearest the transcript's 3' end. VCF-style (leftmost placement, unchanged base first): chr18-3188892-CGTGGACTGCTTGGATGCT-C. GRCh37 (hg19) VCF-style: chr18-3188890-CGTGGACTGCTTGGATGCT-C.
Other names: c.609_626del, p.194KQSTAS[2] (NM_019856.2).
Identifiers: ClinVar variation 1356786 (VCV001356786.8), dbSNP rs1211124611, ClinGen allele CA628483147.

ClinVar aggregate classification (germline): Uncertain significance (1 of 4 stars; one submission).

Conditions:
Hypertrophic cardiomyopathy. Also called: HYPERTROPHIC MYOCARDIOPATHY. Identifiers: Orphanet 217569, MedGen C0007194, MeSH D002312, MONDO:0005045, HP:0001639.

Submission:

Labcorp Genetics (formerly Invitae), Labcorp
Classification: Uncertain significance for Hypertrophic cardiomyopathy. Last evaluated: 2025-06-09. Review status: criteria provided, single submitter. Criteria: Invitae Variant Classification Sherloc (09022015). Collection method: clinical testing. Allele origin: germline.
Comment: This variant, c.609_626del, results in the deletion of 6 amino acid(s) of the MYOM1 protein (p.Lys206_Ser211del), but otherwise preserves the integrity of the reading frame. The frequency data for this variant in the population databases is considered unreliable, as metrics indicate poor data quality at this position in the gnomAD database. This variant has been observed in individual(s) with clinical features of cardiomyopathy (PMID: 28986455). ClinVar contains an entry for this variant (Variation ID: 1356786). Experimental studies and prediction algorithms are not available or were not evaluated, and the functional significance of this variant is currently unknown. In summary, the available evidence is currently insufficient to determine the role of this variant in disease. Therefore, it has been classified as a Variant of Uncertain Significance.

Literature cited by the submitters: PubMed 28986455.